The following is an entry in ClinVar:

ClinVar aggregate classification (germline): Likely pathogenic (1 of 4 stars; one submission).

Conditions:
Muscle eye brain disease (MEB). Also called: Santavuori congenital muscular dystrophy. Identifiers: Orphanet 588, Orphanet 899, MedGen C0457133, MONDO:0018939.

Submission:

Natera, Inc.
Classification: Likely pathogenic for Muscle-eye-brain disease. Last evaluated: 2025-01-07. Review status: criteria provided, single submitter. Criteria: Natera Variant Classification Schema (03/2026). Collection method: clinical testing. Allele origin: germline.
Comment: The c.1208dup variant in POMGNT1 is a frameshift variant predicted to shift the reading frame beginning at codon 404 and leads to a stop codon 14 codons downstream. This variant is expected to result in nonsense mediated decay, truncation, or a dysfunctional protein product. This variant is rare in the general population with a frequency below the threshold expected for the associated phenotype(s). Given the available evidence, this variant is classified as Likely Pathogenic.

NM_017739.4(POMGNT1):c.1208dup (p.Ser404fs)

Genes: POMGNT1 (protein O-linked mannose N-acetylglucosaminyltransferase 1 (beta 1,2-); minus strand), TSPAN1 (tetraspanin 1; plus strand). Cytogenetic location: 1p34.1.
Variant type: Duplication.
Coding change: c.1208dup on transcript NM_017739.4 (MANE Select); coding-DNA position 1208, one base duplicated (T; older notation c.1208dupT).
Protein change: p.Ser404fs; shifts the reading frame from serine 404.
Molecular consequence: frameshift variant.
Genome position (GRCh38, 1-based): chr1:46,192,903, A duplicated on the plus strand (T on the coding strand, the reverse complement: POMGNT1 is on the minus strand); the first of 6 consecutive A bases (chr1:46,192,903-46,192,908); duplicating any one gives the same sequence. VCF-style (leftmost placement, unchanged base first): chr1-46192902-G-GA. GRCh37 (hg19) VCF-style: chr1-46658574-G-GA.
Other names: c.1208dup, p.Ser404fs (NM_001243766.2, NM_001410783.1); c.1137dup, p.Ser382Glnfs (NM_001290129.3); c.779dup, p.Ser261fs (NM_001290130.2); short protein forms S261fs, S382fs, S404fs.
Identifiers: ClinVar variation 4060482 (VCV004060482.2).